The following is an entry in ClinVar:

NM_004369.4(COL6A3):c.6802C>T (p.Pro2268Ser)

Gene: COL6A3 (collagen type VI alpha 3 chain; minus strand). Cytogenetic location: 2q37.3.
Variant type: single nucleotide variant.
Coding change: c.6802C>T on transcript NM_004369.4 (MANE Select); coding-DNA position 6802, C replaced by T.
Protein change: p.Pro2268Ser; replaces proline 2268 with serine.
Molecular consequence: missense variant.
Genome position (GRCh38, 1-based): chr2:237,351,144, G>A on the plus strand (C>T on the coding strand, the complement: COL6A3 is on the minus strand). VCF-style: chr2-237351144-G-A. GRCh37 (hg19) VCF-style: chr2-238259787-G-A.
Other names: c.4981C>T, p.Pro1661Ser (NM_057166.5); c.6184C>T, p.Pro2062Ser (NM_057167.4); short protein forms P2062S, P2268S, P1661S.
Identifiers: ClinVar variation 2101185 (VCV002101185.4), dbSNP rs2469834904, ClinGen allele CA351210646.

ClinVar aggregate classification (germline): Uncertain significance (1 of 4 stars; one submission).

Conditions:
Bethlem myopathy 1A. Also called: MYOPATHY, BENIGN CONGENITAL, WITH CONTRACTURES; Bethlem myopathy 1; Bethlem Muscular Dystrophy. Identifiers: Orphanet 610, MedGen CN029274, MONDO:0024530, OMIM 158810.

Allele frequency attached by ClinVar (database versions not stated): gnomAD exomes below 0.00001.
gnomAD v4.1: 2 of 1,614,236 alleles (0.00012%); highest among the groups gnomAD compares: Non-Finnish European, 0.000085%; no homozygotes.

Submission:

Labcorp Genetics (formerly Invitae), Labcorp
Classification: Uncertain significance for Bethlem myopathy 1A. Last evaluated: 2022-09-15. Review status: criteria provided, single submitter. Criteria: Invitae Variant Classification Sherloc (09022015). Collection method: clinical testing. Allele origin: germline.
Comment: In summary, the available evidence is currently insufficient to determine the role of this variant in disease. Therefore, it has been classified as a Variant of Uncertain Significance. Advanced modeling of protein sequence and biophysical properties (such as structural, functional, and spatial information, amino acid conservation, physicochemical variation, residue mobility, and thermodynamic stability) performed at Invitae indicates that this missense variant is not expected to disrupt COL6A3 protein function. This variant has not been reported in the literature in individuals affected with COL6A3-related conditions. This variant is not present in population databases (gnomAD no frequency). This sequence change replaces proline, which is neutral and non-polar, with serine, which is neutral and polar, at codon 2268 of the COL6A3 protein (p.Pro2268Ser).